The following is an entry in ClinVar:

ClinVar aggregate classification (germline): Likely pathogenic (1 of 4 stars; one submission).

Conditions:
Autosomal recessive limb-girdle muscular dystrophy. Identifiers: Orphanet 102015, MedGen C2931907, MONDO:0015152.

Submission:

Myriad Genetics, Inc.
Classification: Likely pathogenic for Autosomal recessive limb-girdle muscular dystrophy. Last evaluated: 2019-08-27. Review status: criteria provided, single submitter. Criteria: Myriad Autosomal Dominant, Autosomal Recessive and X-Linked Classification Criteria (2023). Collection method: clinical testing. Allele origin: unknown.
Comment: NM_003494.3(DYSF):c.1563C>A(C521*) is expected to be pathogenic in the context of dysferlinopathy. This variant is predicted to lead to an abnormal or absent protein product due to the creation of a premature termination codon in DYSF, a gene where loss-of-function variants are known to be pathogenic. Please note: this variant was assessed in the context of healthy population screening.

NM_001130987.2(DYSF):c.1617C>A (p.Cys539Ter)

Gene: DYSF (dysferlin; plus strand). Cytogenetic location: 2p13.2.
Variant type: single nucleotide variant.
Coding change: c.1617C>A on transcript NM_001130987.2 (MANE Select); coding-DNA position 1617, C replaced by A.
Protein change: p.Cys539Ter; replaces cysteine 539 with a stop codon.
Molecular consequence: nonsense.
Genome position (GRCh38, 1-based): chr2:71,551,081, C>A. VCF-style: chr2-71551081-C-A. GRCh37 (hg19) VCF-style: chr2-71778211-C-A.
Other names: c.1566C>A, p.Cys522Ter (NM_001130455.2, NM_001130983.2); c.1521C>A, p.Cys507Ter (NM_001130976.2, NM_001130977.2); c.1563C>A, p.Cys521Ter (NM_001130978.2, NM_003494.4); c.1656C>A, p.Cys552Ter (NM_001130979.2); c.1614C>A, p.Cys538Ter (NM_001130980.2, NM_001130981.2); c.1659C>A, p.Cys553Ter (NM_001130982.2); c.1524C>A, p.Cys508Ter (NM_001130984.2, NM_001130986.2); c.1617C>A, p.Cys539Ter (NM_001130985.2); short protein forms C507*, C508*, C521*, C522*, C538*, C539*, C552*, C553*.
Identifiers: ClinVar variation 984234 (VCV000984234.4), dbSNP rs2090909751, ClinGen allele CA347217373.